The following is an entry in ClinVar:

ClinVar aggregate classification (germline): Uncertain significance (1 of 4 stars; one submission).

Conditions:
Arrhythmogenic cardiomyopathy with wooly hair and keratoderma. Also called: Carvajal syndrome; PALMOPLANTAR KERATODERMA WITH LEFT VENTRICULAR CARDIOMYOPATHY AND WOOLLY HAIR; Dilated cardiomyopathy with woolly hair and keratoderma; Arrhythmogenic cardiomyopathy with woolly hair and keratoderma. Identifiers: Orphanet 65282, MedGen C1854063, MONDO:0011581, OMIM 605676.
Arrhythmogenic right ventricular dysplasia 8 (ARVD8). Also called: Arrhythmogenic Right Ventricular Dysplasia/Cardiomyopathy 8; ARRHYTHMOGENIC RIGHT VENTRICULAR DYSPLASIA, FAMILIAL, 8; ARRHYTHMOGENIC RIGHT VENTRICULAR CARDIOMYOPATHY 8. Identifiers: MedGen C1843896, MONDO:0011831, OMIM 607450.

Submission:

Labcorp Genetics (formerly Invitae), Labcorp
Classification: Uncertain significance for Arrhythmogenic cardiomyopathy with wooly hair and keratoderma; Arrhythmogenic right ventricular dysplasia 8. Last evaluated: 2025-07-13. Review status: criteria provided, single submitter. Criteria: Invitae Variant Classification Sherloc (09022015). Collection method: clinical testing. Allele origin: germline.
Comment: This variant, c.975_995del, results in the deletion of 7 amino acid(s) of the DSP protein (p.Leu326_Glu332del), but otherwise preserves the integrity of the reading frame. This variant is not present in population databases (gnomAD no frequency). This variant has not been reported in the literature in individuals affected with DSP-related conditions. Experimental studies and prediction algorithms are not available or were not evaluated, and the functional significance of this variant is currently unknown. In summary, the available evidence is currently insufficient to determine the role of this variant in disease. Therefore, it has been classified as a Variant of Uncertain Significance.

NM_004415.4(DSP):c.975_995del (p.Leu326_Glu332del)

Gene: DSP (desmoplakin; plus strand). Cytogenetic location: 6p24.3.
Variant type: Deletion.
Coding change: c.975_995del on transcript NM_004415.4 (MANE Select); coding-DNA positions 975 to 995, 21 bases deleted (GCTCAATAAGCTGAAACAAGA).
Protein change: p.Leu326_Glu332del.
Genome position (GRCh38, 1-based): chr6:7,566,412-7,566,432, GCTCAATAAGCTGAAACAAGA deleted; deleting any 21 consecutive bases within chr6:7,566,408-7,566,432 gives the same sequence; the c. name uses the placement nearest the transcript's 3' end. VCF-style (leftmost placement, unchanged base first): chr6-7566407-AAAGAGCTCAATAAGCTGAAAC-A. GRCh37 (hg19) VCF-style: chr6-7566640-AAAGAGCTCAATAAGCTGAAAC-A.
Other names: c.975_995del, p.Leu326_Glu332del (NM_001008844.3, NM_001319034.2, NM_001406591.1).
Identifiers: ClinVar variation 4785568 (VCV004785568.1).